The following is an entry in ClinVar:

ClinVar aggregate classification (germline): Benign/Likely benign. Review status: criteria provided, multiple submitters, no conflicts (2 of 4 stars). 7 submissions from 7 submitters: Benign (2); Likely benign (3). 2 of the submissions do not count toward it. Last evaluated 2026-02-01.

Conditions:
Congenital contractural arachnodactyly (CCA). Also called: Beals-Hecht syndrome; Arthrogryposis, distal, type 9; BEALS SYNDROME. Identifiers: Orphanet 115, MedGen C0220668, MONDO:0007363, OMIM 121050.

Submissions (7):

Labcorp Genetics (formerly Invitae), Labcorp
Classification: Benign for Congenital contractural arachnodactyly. Last evaluated: 2026-02-01. Review status: criteria provided, single submitter. Criteria: Invitae Variant Classification Sherloc (09022015). Collection method: clinical testing. Allele origin: germline.

Blueprint Genetics
Classification: Likely benign. Last evaluated: 2024-11-25. Review status: criteria provided, single submitter. Criteria: ACMG Guidelines, 2015. Collection method: clinical testing. Allele origin: germline.

ARUP Laboratories, Molecular Genetics and Genomics, ARUP Laboratories
Classification: Likely benign. Last evaluated: 2024-07-25. Review status: criteria provided, single submitter. Criteria: ARUP Molecular Germline Variant Investigation Process 2024. Collection method: clinical testing. Allele origin: germline.

Women's Health and Genetics/Laboratory Corporation of America, LabCorp
Classification: Benign. Last evaluated: 2024-02-05. Review status: criteria provided, single submitter. Criteria: LabCorp Variant Classification Summary - May 2015. Collection method: clinical testing. Allele origin: germline.
Comment: Variant summary: FBN2 c.4472-12delT alters a nucleotide located at a position not widely known to affect splicing. Consensus agreement among computation tools predict no significant impact on normal splicing. However, these predictions have yet to be confirmed by functional studies. The variant allele was found at a frequency of 0.00039 in 248450 control chromosomes. The observed variant frequency is approximately 300 fold of the estimated maximal expected allele frequency for a pathogenic variant in FBN2 causing Aortopathy phenotype (1.3e-06), strongly suggesting that the variant is benign. To our knowledge, no occurrence of c.4472-12delT in individuals affected with Aortopathy and no experimental evidence demonstrating its impact on protein function have been reported. ClinVar contains an entry for this variant (Variation ID: 994352). Based on the evidence outlined above, the variant was classified as benign.

GeneDx
Classification: Likely benign. Last evaluated: 2021-10-22. Review status: criteria provided, single submitter. Criteria: GeneDx Variant Classification Process June 2021. Collection method: clinical testing. Allele origin: germline. Affected: yes.

Genome Diagnostics Laboratory, Amsterdam University Medical Center
Classification: Likely benign. Review status: no assertion criteria provided. Collection method: clinical testing. Allele origin: germline. Affected: yes. Study: VKGL Data-share Consensus. Not counted in ClinVar's aggregate classification.

Genome Diagnostics Laboratory, University Medical Center Utrecht
Classification: Likely benign. Review status: no assertion criteria provided. Collection method: clinical testing. Allele origin: germline. Affected: yes. Study: VKGL Data-share Consensus. Not counted in ClinVar's aggregate classification.

NM_001999.4(FBN2):c.4472-12del

Gene: FBN2 (fibrillin 2; minus strand). Cytogenetic location: 5q23.3.
Variant type: Deletion.
Coding change: c.4472-12del on transcript NM_001999.4 (MANE Select); 12 bases into the intron before coding-DNA position 4472, one base deleted (T; older notation c.4472-12delT).
Molecular consequence: intron variant.
Genome position (GRCh38, 1-based): chr5:128,319,013, A deleted on the plus strand (T on the coding strand, the reverse complement: FBN2 is on the minus strand); the first of 8 consecutive A bases (chr5:128,319,013-128,319,020); deleting any one gives the same sequence. VCF-style (leftmost placement, unchanged base first): chr5-128319012-TA-T. GRCh37 (hg19) VCF-style: chr5-127654704-TA-T.
Other names: c.4472-12delT (NM_001999.4).
Identifiers: ClinVar variation 994352 (VCV000994352.25), dbSNP rs758812755, ClinGen allele CA3394926.